The following is an entry in ClinVar:

NM_025137.4(SPG11):c.6950G>A (p.Gly2317Asp)

Gene: SPG11 (SPG11 vesicle trafficking associated, spatacsin; minus strand). Cytogenetic location: 15q21.1.
Variant type: single nucleotide variant.
Coding change: c.6950G>A on transcript NM_025137.4 (MANE Select); coding-DNA position 6950, G replaced by A.
Protein change: p.Gly2317Asp; replaces glycine 2317 with aspartic acid.
Molecular consequence: missense variant.
Genome position (GRCh38, 1-based): chr15:44,565,903, C>T on the plus strand (G>A on the coding strand, the complement: SPG11 is on the minus strand). VCF-style: chr15-44565903-C-T. GRCh37 (hg19) VCF-style: chr15-44858101-C-T.
Other names: c.6611G>A, p.Gly2204Asp (NM_001160227.2); short protein forms G2317D, G2204D.
Identifiers: ClinVar variation 316077 (VCV000316077.20), dbSNP rs79186522, ClinGen allele CA7533944.

ClinVar aggregate classification (germline): Uncertain significance. Review status: criteria provided, multiple submitters, no conflicts (2 of 4 stars). 8 submissions from 6 submitters: Uncertain significance (8). Last evaluated 2026-09-01.

Conditions:
Hereditary spastic paraplegia. Also called: Familial spastic paraparesis. Identifiers: Orphanet 685, MedGen C0037773, MONDO:0019064. Disease mechanism: loss of function.
Charcot-Marie-Tooth disease axonal type 2X. Also called: CHARCOT-MARIE-TOOTH DISEASE, AXONAL, AUTOSOMAL RECESSIVE, TYPE 2X; CHARCOT-MARIE-TOOTH NEUROPATHY, TYPE 2X. Identifiers: Orphanet 466775, MedGen C5569024, MONDO:0014726, OMIM 616668.
Amyotrophic lateral sclerosis type 5 (ALS5). Also called: AMYOTROPHIC LATERAL SCLEROSIS 5, JUVENILE. Identifiers: Orphanet 300605, MedGen C1865864, MONDO:0011196, OMIM 602099.
Hereditary spastic paraplegia 11. Also called: Spastic Paraplegia 11; Spastic paraplegia, mental retardation and thin corpus callosum; Autosomal recessive hereditary spastic paraplegia, mental impairment, and thin corpus callosum; SPASTIC PARAPLEGIA, AUTOSOMAL RECESSIVE, COMPLICATED, WITH THIN CORPUS CALLOSUM; SPASTIC PARAPLEGIA, AUTOSOMAL RECESSIVE, WITH MENTAL IMPAIRMENT AND THIN CORPUS CALLOSUM; Nakamura Osame syndrome. Identifiers: Orphanet 2822, MedGen C1858479, MONDO:0011445, OMIM 604360.

Allele frequency attached by ClinVar (database versions not stated): ExAC 0.00006; gnomAD 0.00007 and 0.00009; gnomAD exomes 0.00008; TOPMed 0.00009; 1000 Genomes Project 30x 0.00016; 1000 Genomes Project 0.00020.
gnomAD v4.1: 109 of 1,612,952 alleles (0.0068%); highest among the groups gnomAD compares: Middle Eastern, 0.017%; no homozygotes.

Submissions (8):

CeGaT Center for Human Genetics Tuebingen
Classification: Uncertain significance. Last evaluated: 2026-09-01. Review status: criteria provided, single submitter. Criteria: CeGaT Center For Human Genetics Tuebingen Variant Classification Criteria Version 2. Collection method: clinical testing. Allele origin: germline. Affected: yes. Observed: 3 variant alleles.
Comment: SPG11: PM2, BP4

Athena Diagnostics
Classification: Uncertain significance. Last evaluated: 2025-03-27. Review status: criteria provided, single submitter. Criteria: Athena Diagnostics Criteria. Collection method: clinical testing. Allele origin: unknown.
Comment: Available data are insufficient to determine the clinical significance of the variant at this time. The frequency of this variant in the general population is uninformative in assessment of its pathogenicity. Polyphen and MutationTaster predict this amino acid change may be benign.

Labcorp Genetics (formerly Invitae), Labcorp
Classification: Uncertain significance for Hereditary spastic paraplegia 11. Last evaluated: 2025-01-20. Review status: criteria provided, single submitter. Criteria: Invitae Variant Classification Sherloc (09022015). Collection method: clinical testing. Allele origin: germline.
Comment: This sequence change replaces glycine, which is neutral and non-polar, with aspartic acid, which is acidic and polar, at codon 2317 of the SPG11 protein (p.Gly2317Asp). This variant is present in population databases (rs79186522, gnomAD 0.01%). This missense change has been observed in individual(s) with amyotrophic lateral sclerosis and/or inherited retinal disorder (PMID: 27790088, 32483926). ClinVar contains an entry for this variant (Variation ID: 316077). Invitae Evidence Modeling of protein sequence and biophysical properties (such as structural, functional, and spatial information, amino acid conservation, physicochemical variation, residue mobility, and thermodynamic stability) indicates that this missense variant is not expected to disrupt SPG11 protein function with a negative predictive value of 80%. In summary, the available evidence is currently insufficient to determine the role of this variant in disease. Therefore, it has been classified as a Variant of Uncertain Significance.

Illumina Laboratory Services, Illumina
Classification: Uncertain significance for Hereditary spastic paraplegia 11. Last evaluated: 2018-01-13. Review status: criteria provided, single submitter. Criteria: ICSL Variant Classification Criteria 13 December 2019. Collection method: clinical testing. Allele origin: germline.

Genome Diagnostics Laboratory, The Hospital for Sick Children
Classification: Uncertain significance for Hereditary spastic paraplegia. Last evaluated: 2016-12-12. Review status: criteria provided, single submitter. Criteria: ACMG Guidelines, 2015. Collection method: clinical testing. Allele origin: germline. Affected: yes.

Genome-Nilou Lab
Classification: Uncertain significance for Amyotrophic lateral sclerosis type 5. Review status: criteria provided, single submitter. Criteria: ACMG Guidelines, 2015. Collection method: clinical testing. Allele origin: germline.

Genome-Nilou Lab
Classification: Uncertain significance for Charcot-Marie-Tooth disease axonal type 2X. Review status: criteria provided, single submitter. Criteria: ACMG Guidelines, 2015. Collection method: clinical testing. Allele origin: germline.

Genome-Nilou Lab
Classification: Uncertain significance for Hereditary spastic paraplegia 11. Review status: criteria provided, single submitter. Criteria: ACMG Guidelines, 2015. Collection method: clinical testing. Allele origin: germline.

Literature cited by the submitters: PubMed 32483926 (cited by Athena Diagnostics and Labcorp Genetics (formerly Invitae), Labcorp); PubMed 27790088 (cited by Athena Diagnostics and Labcorp Genetics (formerly Invitae), Labcorp).